The following is an entry in ClinVar:

NM_001166108.2(PALLD):c.1897C>G (p.Leu633Val)

Gene: PALLD (palladin, cytoskeletal associated protein; plus strand). Cytogenetic location: 4q32.3.
Variant type: single nucleotide variant.
Coding change: c.1897C>G on transcript NM_001166108.2 (MANE Select); coding-DNA position 1897, C replaced by G.
Protein change: p.Leu633Val; replaces leucine 633 with valine.
Molecular consequence: missense variant.
Genome position (GRCh38, 1-based): chr4:168,711,856, C>G. VCF-style: chr4-168711856-C-G. GRCh37 (hg19) VCF-style: chr4-169633007-C-G.
Other names: c.751C>G, p.Leu251Val (NM_001166109.2); c.1897C>G, p.Leu633Val (NM_016081.4); short protein forms L633V, L251V.
Identifiers: ClinVar variation 1782180 (VCV001782180.2), dbSNP rs2531857299, ClinGen allele CA358798668.

ClinVar aggregate classification (germline): Uncertain significance (1 of 4 stars; one submission).

Allele frequency attached by ClinVar (database versions not stated): gnomAD exomes below 0.00001.
gnomAD v4.1: 1 of 1,614,192 alleles (0.000062%); highest among the groups gnomAD compares: Non-Finnish European, 0.000085%; no homozygotes.

Submission:

Ambry Genetics
Classification: Uncertain significance. Last evaluated: 2023-10-23. Review status: criteria provided, single submitter. Criteria: Ambry Variant Classification Scheme 2023. Collection method: clinical testing. Allele origin: germline.
Comment: The p.L633V variant (also known as c.1897C>G), located in coding exon 9 of the PALLD gene, results from a C to G substitution at nucleotide position 1897. The leucine at codon 633 is replaced by valine, an amino acid with highly similar properties. This amino acid position is conserved. In addition, this alteration is predicted to be tolerated by in silico analysis. Since supporting evidence is limited at this time, the clinical significance of this alteration remains unclear.